The following is an entry in ClinVar:

ClinVar aggregate classification (germline): Conflicting classifications of pathogenicity. Review status: criteria provided, conflicting classifications (1 of 4 stars). 13 submissions from 13 submitters: Pathogenic (5); Likely pathogenic (4); Uncertain significance (1). 3 of the submissions do not count toward it. Last evaluated 2026-09-09.

Conditions:
DYNC1H1-related disorder. Also called: DYNC1H1-related condition; DYNC1H1-related disorders. Identifiers: MedGen CN381529.
DYNC1H1-related neurological disorders.
Neuronopathy, distal hereditary motor, autosomal dominant. Also called: Autosomal dominant distal hereditary motor neuropathy. Identifiers: Orphanet 140465, MedGen C5548212, MONDO:0015362.
Charcot-Marie-Tooth disease axonal type 2O. Also called: Charcot-Marie-Tooth disease, axonal, type 20; CHARCOT-MARIE-TOOTH NEUROPATHY, AXONAL, TYPE 2O; CHARCOT-MARIE-TOOTH DISEASE, AXONAL, AUTOSOMAL DOMINANT, TYPE 2O; Charcot-Marie-Tooth Neuropathy Type 2O. Identifiers: Orphanet 284232, MedGen C3280220, MONDO:0013644, OMIM 614228.
Cortical dysplasia, complex, with other brain malformations 13. Also called: Intellectual disability, autosomal dominant 13. Identifiers: MedGen C3281202, MONDO:0013805, OMIM 614563.
Neurodevelopmental delay. Identifiers: MedGen C4022738, HP:0012758.

Submissions (13):

The Shared Resource Centre "Genome", Research Centre for Medical Genetics
Classification: Pathogenic. Last evaluated: 2026-09-09. Review status: criteria provided, single submitter. Criteria: ACMG Guidelines, 2015. Collection method: clinical testing. Allele origin: germline. Inheritance: Autosomal dominant inheritance. Affected: yes. Observed: 2 variant alleles, 2 heterozygotes. Clinical features observed: Arthrogryposis multiplex congenita (HP:0002804), Recurrent fractures (HP:0002757), Abnormal skeletal muscle morphology (HP:0011805).
Comment: This variant results in a missense substitution and is located at a codon where other pathogenic variants—p.(Arg264Leu) [PMID: 25512093] and p.(Arg264Gly) [PMID: 27662471]—have previously been described; the specific variant p.(Arg264Gln) has also been reported as pathogenic in the heterozygous state in the context of spinal muscular atrophy (HGMD_ID CM151458 [PMID: 25609763]). The identified variant is not recorded in the Genome Aggregation Database (gnomAD v3.1.2) control cohort. Pathogenicity prediction algorithms (fathmm_MKL_coding, M_CAP, PROVEAN, SIFT, Polyphen2_HVAR, Polyphen2_HDIV, DEOGEN2, LRT, PrimateAI) classify this variant as likely pathogenic, whereas FATHMM and MutationAssessor classify it as neutral. Comprehensive pathogenicity assessment by meta-predictors yields a classification of neutral for both MetaSVM and MetaLR. Based on the available evidence, this variant should be classified as pathogenic.

Blueprint Genetics
Classification: Pathogenic for DYNC1H1-related disorders. Last evaluated: 2024-08-06. Review status: criteria provided, single submitter. Criteria: ACMG Guidelines, 2015. Collection method: clinical testing. Allele origin: de novo. Affected: yes. Observed: 3 variant alleles.

Revvity Omics, Revvity
Classification: Likely pathogenic. Last evaluated: 2024-03-15. Review status: criteria provided, single submitter. Criteria: ACMG Guidelines, 2015. Collection method: clinical testing. Allele origin: germline.

Illumina Laboratory Services, Illumina
Classification: Likely pathogenic for DYNC1H1-related neurological disorders. Last evaluated: 2023-10-24. Review status: criteria provided, single submitter. Criteria: ICSLVariantClassificationCriteria RUGD 01 April 2020. Collection method: clinical testing. Allele origin: unknown.
Comment: The DYNC1H1 c.791G>A, p.(Arg264Gln) missense variant has been identified in an individual with a phenotype consistent with DYNC1H1-related neurological disorders who demonstrated lower limb malformations, compromised hand function, fine motor difficulties and a brain malformation resembling polymicrogyria by MRI (Scoto et al. 2015). Additionally, a different amino acid substitution at the same codon, p.(Arg264Leu), has been reported in an individual with a phenotype consistent with DYNC1H1-related neurological disorders (Peeters et al. 2015). This variant is not observed in version 2.1.1 or version 3.1.2 of the Genome Aggregation Database. Multiple lines of computational evidence suggest this variant may impact the gene or gene product. Based on the available evidence, the c.791G>A, p.(Arg264Gln) variant is classified as likely pathogenic for DYNC1H1-related neurological disorders.

Labcorp Genetics (formerly Invitae), Labcorp
Classification: Pathogenic for Charcot-Marie-Tooth disease axonal type 2O. Last evaluated: 2023-03-10. Review status: criteria provided, single submitter. Criteria: Invitae Variant Classification Sherloc (09022015). Collection method: clinical testing. Allele origin: germline.
Comment: For these reasons, this variant has been classified as Pathogenic. This variant disrupts the p.Arg264 amino acid residue in DYNC1H1. Other variant(s) that disrupt this residue have been observed in individuals with DYNC1H1-related conditions (PMID: 25512093), which suggests that this may be a clinically significant amino acid residue. This sequence change replaces arginine, which is basic and polar, with glutamine, which is neutral and polar, at codon 264 of the DYNC1H1 protein (p.Arg264Gln). This variant is not present in population databases (gnomAD no frequency). This missense change has been observed in individual(s) with spinal muscular atrophy (PMID: 25609763). In at least one individual the variant was observed to be de novo. ClinVar contains an entry for this variant (Variation ID: 210883). Advanced modeling of protein sequence and biophysical properties (such as structural, functional, and spatial information, amino acid conservation, physicochemical variation, residue mobility, and thermodynamic stability) performed at Invitae indicates that this missense variant is expected to disrupt DYNC1H1 protein function.

GeneDx
Classification: Pathogenic. Last evaluated: 2022-10-19. Review status: criteria provided, single submitter. Criteria: GeneDx Variant Classification Process June 2021. Collection method: clinical testing. Allele origin: germline. Affected: yes.
Comment: Not observed at significant frequency in large population cohorts (gnomAD); In silico analysis supports that this missense variant has a deleterious effect on protein structure/function; This variant is associated with the following publications: (PMID: 25609763, 26100331, 25512093, 32656949)

CeGaT Center for Human Genetics Tuebingen
Classification: Pathogenic. Last evaluated: 2020-06-01. Review status: criteria provided, single submitter. Criteria: CeGaT Center For Human Genetics Tuebingen Variant Classification Criteria Version 2. Collection method: clinical testing. Allele origin: germline. Affected: yes. Observed: 3 variant alleles.

Eurofins Ntd Llc (ga)
Classification: Uncertain significance. Last evaluated: 2018-05-01. Review status: criteria provided, single submitter. Criteria: EGL ClinVar v180209 classification definitions. Collection method: clinical testing. Allele origin: germline. Observed: 1 variant allele, 1 heterozygote.

Centre de Biologie Pathologie Génétique, Centre Hospitalier Universitaire de Lille
Classification: Likely pathogenic for Neurodevelopmental delay. Review status: criteria provided, single submitter. Criteria: ACMG Guidelines, 2015. Collection method: clinical testing. Allele origin: unknown. Affected: yes.

Clinical Genetics Service, Universitary Hospital 12 de Octubre
Classification: Likely pathogenic for Cortical dysplasia, complex, with other brain malformations 13. Review status: criteria provided, single submitter. Criteria: ACMG Guidelines, 2015. Collection method: clinical testing. Allele origin: germline. Affected: yes.

Inherited Neuropathy Consortium Ii, University Of Miami
Classification: Uncertain significance for Charcot-Marie-Tooth disease axonal type 2O. Last evaluated: 2016-01-06. Review status: flagged submission. Collection method: literature only. Allele origin: germline. Affected: yes. Not counted in ClinVar's aggregate classification.
ClinVar note: Reason: Claim with insufficient supporting evidence

Genetic Services Laboratory, University of Chicago
Classification: Uncertain significance. Last evaluated: 2015-06-08. Review status: flagged submission. Criteria: ACMG Guidelines, 2015. Collection method: clinical testing. Allele origin: germline. Not counted in ClinVar's aggregate classification.
ClinVar note: Reason: Claim with insufficient supporting evidence

Inherited Neuropathy Consortium
Classification: Uncertain significance for Autosomal dominant distal hereditary motor neuropathy. Review status: flagged submission. Collection method: literature only. Allele origin: germline. Affected: yes. Not counted in ClinVar's aggregate classification.
ClinVar note: Reason: Claim with insufficient supporting evidence

Literature cited by the submitters: PubMed 25609763 (cited by 4 submitters); PubMed 25512093 (cited by The Shared Resource Centre "Genome", Research Centre for Medical Genetics and Labcorp Genetics (formerly Invitae), Labcorp); PubMed 27662471 (cited by The Shared Resource Centre "Genome", Research Centre for Medical Genetics).

NM_001376.5(DYNC1H1):c.791G>A (p.Arg264Gln)

Gene: DYNC1H1 (dynein cytoplasmic 1 heavy chain 1; plus strand). Cytogenetic location: 14q32.31.
Variant type: single nucleotide variant.
Coding change: c.791G>A on transcript NM_001376.5 (MANE Select); coding-DNA position 791, G replaced by A.
Protein change: p.Arg264Gln; replaces arginine 264 with glutamine.
Molecular consequence: missense variant.
Genome position (GRCh38, 1-based): chr14:101,980,380, G>A. VCF-style: chr14-101980380-G-A. GRCh37 (hg19) VCF-style: chr14-102446717-G-A.
Other names: short protein forms R264Q.
Identifiers: ClinVar variation 210883 (VCV000210883.70), dbSNP rs713993043, ClinGen allele CA207215.